The following is an entry in ClinVar:

NM_052947.4(ALPK2):c.1061T>C (p.Val354Ala)

Genes: ALPK2 (alpha kinase 2; minus strand), LOC114803473 (ALPK2 eExon liver enhancer; plus strand). Cytogenetic location: 18q21.31.
Variant type: single nucleotide variant.
Coding change: c.1061T>C on transcript NM_052947.4 (MANE Select); coding-DNA position 1061, T replaced by C.
Protein change: p.Val354Ala; replaces valine 354 with alanine.
Molecular consequence: missense variant.
Genome position (GRCh38, 1-based): chr18:58,579,715, A>G on the plus strand (T>C on the coding strand, the complement: ALPK2 is on the minus strand). VCF-style: chr18-58579715-A-G. GRCh37 (hg19) VCF-style: chr18-56246947-A-G.
Other names: short protein forms V354A.
Identifiers: ClinVar variation 3288939 (VCV003288939.1).
Genomic context (GRCh38, chr18:58,579,715, plus strand): 5'-CACCCACCCAGGCAATGCTCACCGAATTCCATCTCTTCGTCATCGCTTTCTAATAAAAAA[A>G]CATGCTCAGTCCCCAGCAGGTTCCTTTGCCAAACTGCATTAGAGTAATCCGTCATAACAT-3'
Protein context (NP_443179.3, residues 344-364): WQRNLLGTEH[Val354Ala]FLLESDDEEM

ClinVar aggregate classification (germline): Uncertain significance (1 of 4 stars; one submission).

Submission:

Ambry Genetics
Classification: Uncertain significance. Last evaluated: 2024-04-22. Review status: criteria provided, single submitter. Criteria: Ambry Variant Classification Scheme 2023. Collection method: clinical testing. Allele origin: germline.
Comment: The p.V354A variant (also known as c.1061T>C), located in coding exon 3 of the ALPK2 gene, results from a T to C substitution at nucleotide position 1061. The valine at codon 354 is replaced by alanine, an amino acid with similar properties. This amino acid position is conserved. In addition, this alteration is predicted to be tolerated by in silico analysis. Based on the available evidence, the clinical significance of this variant remains unclear.